The following is an entry in ClinVar:

NM_030665.4(RAI1):c.168C>T (p.Tyr56=)

Gene: RAI1 (retinoic acid induced 1; plus strand). Cytogenetic location: 17p11.2.
Variant type: single nucleotide variant.
Coding change: c.168C>T on transcript NM_030665.4 (MANE Select); coding-DNA position 168, C replaced by T.
Protein change: p.Tyr56=; no amino-acid change (tyrosine 56 retained).
Molecular consequence: synonymous variant.
Genome position (GRCh38, 1-based): chr17:17,793,116, C>T. VCF-style: chr17-17793116-C-T. GRCh37 (hg19) VCF-style: chr17-17696430-C-T.
Other names: c.168C>T (NM_030665.3).
Identifiers: ClinVar variation 2413285 (VCV002413285.9), dbSNP rs1382828277, ClinGen allele CA498422456.
Genomic context (GRCh38, chr17:17,793,116, plus strand): 5'-CGGGCTAAGCTGCGACCGGCAGCGGCTGCTCGCCAAGGACTATTATAACCCGCAGCCTTA[C>T]CCGAGCTATGAGGGTGGCGCTGGCACGCCCTCTGGCACTGCAGCCGCGGTGGCCGCCGAC-3'
Protein context (NP_109590.3, residues 46-66): LAKDYYNPQP[Tyr56=]PSYEGGAGTP

ClinVar aggregate classification (germline): Likely benign. Review status: criteria provided, multiple submitters, no conflicts (2 of 4 stars). 3 submissions from 3 submitters: Likely benign (2). 1 of the submissions does not count toward it. Last evaluated 2025-06-23.

Conditions:
RAI1-related disorder. Also called: RAI1-related condition.

Allele frequency attached by ClinVar (database versions not stated): gnomAD exomes below 0.00001; gnomAD 0.00001; TOPMed 0.00002.
gnomAD v4.1: 7 of 1,613,940 alleles (0.00043%); highest among the groups gnomAD compares: African/African-American, 0.0053%; no homozygotes.

Submissions (3):

Labcorp Genetics (formerly Invitae), Labcorp
Classification: Likely benign. Last evaluated: 2025-06-23. Review status: criteria provided, single submitter. Criteria: Invitae Variant Classification Sherloc (09022015). Collection method: clinical testing. Allele origin: germline.

Blueprint Genetics
Classification: Likely benign. Last evaluated: 2022-08-19. Review status: criteria provided, single submitter. Criteria: ACMG Guidelines, 2015. Collection method: clinical testing. Allele origin: germline.

PreventionGenetics, part of Exact Sciences
Classification: Likely benign for RAI1-related condition. Last evaluated: 2021-07-21. Review status: no assertion criteria provided. Collection method: clinical testing. Allele origin: germline. Not counted in ClinVar's aggregate classification.
Comment: This variant is classified as likely benign based on ACMG/AMP sequence variant interpretation guidelines (Richards et al. 2015 PMID: 25741868, with internal and published modifications).